The following is an entry in ClinVar:

NM_032043.3(BRIP1):c.1615A>C (p.Arg539=)

Gene: BRIP1 (BRCA1 interacting DNA helicase 1; minus strand). Cytogenetic location: 17q23.2.
Variant type: single nucleotide variant.
Coding change: c.1615A>C on transcript NM_032043.3 (MANE Select); coding-DNA position 1615, A replaced by C.
Protein change: p.Arg539=; no amino-acid change (arginine 539 retained).
Molecular consequence: synonymous variant.
Genome position (GRCh38, 1-based): chr17:61,784,283, T>G on the plus strand (A>C on the coding strand, the complement: BRIP1 is on the minus strand). VCF-style: chr17-61784283-T-G. GRCh37 (hg19) VCF-style: chr17-59861644-T-G.
Identifiers: ClinVar variation 461077 (VCV000461077.16), dbSNP rs1555603468, ClinGen allele CA501150681.

ClinVar aggregate classification (germline): Benign/Likely benign. Review status: criteria provided, multiple submitters, no conflicts (2 of 4 stars). 5 submissions from 5 submitters: Benign (1); Likely benign (4). Last evaluated 2025-10-06.

Conditions:
Familial ovarian cancer. Identifiers: MedGen C5679802, MONDO:0016248.
Hereditary cancer-predisposing syndrome. Also called: Hereditary neoplastic syndrome; Neoplastic Syndromes, Hereditary; Tumor predisposition; Hereditary Cancer Syndrome. Identifiers: Orphanet 140162, MedGen C0027672, MeSH D009386, MONDO:0015356.
Fanconi anemia complementation group J. Also called: BRIP1-Related Fanconi Anemia. Identifiers: Orphanet 84, MedGen C1836860, MONDO:0012187, OMIM 609054.
Familial cancer of breast. Also called: BREAST CANCER, FAMILIAL; hereditary breast carcinoma; Hereditary breast cancer. Identifiers: Orphanet 227535, MedGen C0346153, MONDO:0016419, OMIM 114480. Disease mechanism: loss of function.

Submissions (5):

Labcorp Genetics (formerly Invitae), Labcorp
Classification: Likely benign for Familial cancer of breast; Fanconi anemia complementation group J. Last evaluated: 2025-10-06. Review status: criteria provided, single submitter. Criteria: Invitae Variant Classification Sherloc (09022015). Collection method: clinical testing. Allele origin: germline.

Myriad Genetics, Inc.
Classification: Benign for Familial cancer of breast. Last evaluated: 2024-08-28. Review status: criteria provided, single submitter. Criteria: Myriad Autosomal Dominant, Autosomal Recessive and X-Linked Classification Criteria (2023). Collection method: clinical testing. Allele origin: unknown.
Comment: This variant is considered benign. This variant is a silent/synonymous amino acid change and it is not expected to impact splicing.

Department of Pathology and Laboratory Medicine, Sinai Health System
Classification: Likely benign for familial ovarian cancer. Last evaluated: 2022-05-31. Review status: criteria provided, single submitter. Criteria: ACMG Guidelines, 2015. Collection method: clinical testing. Allele origin: germline. Affected: no.

Ambry Genetics
Classification: Likely benign for Hereditary cancer-predisposing syndrome. Last evaluated: 2019-07-29. Review status: criteria provided, single submitter. Criteria: Ambry Variant Classification Scheme 2023. Collection method: clinical testing. Allele origin: germline.

GeneDx
Classification: Likely benign. Last evaluated: 2017-03-02. Review status: criteria provided, single submitter. Criteria: GeneDx Variant Classification (06012015). Collection method: clinical testing. Allele origin: germline. Affected: yes.
Comment: This variant is considered likely benign or benign based on one or more of the following criteria: it is a conservative change, it occurs at a poorly conserved position in the protein, it is predicted to be benign by multiple in silico algorithms, and/or has population frequency not consistent with disease.